The following is an entry in ClinVar:

NM_007194.4(CHEK2):c.194C>T (p.Thr65Ile)

Gene: CHEK2 (checkpoint kinase 2; minus strand). Cytogenetic location: 22q12.1.
Variant type: single nucleotide variant.
Coding change: c.194C>T on transcript NM_007194.4 (MANE Select); coding-DNA position 194, C replaced by T.
Protein change: p.Thr65Ile; replaces threonine 65 with isoleucine.
Molecular consequence: missense variant.
Genome position (GRCh38, 1-based): chr22:28,734,528, G>A on the plus strand (C>T on the coding strand, the complement: CHEK2 is on the minus strand). VCF-style: chr22-28734528-G-A. GRCh37 (hg19) VCF-style: chr22-29130516-G-A.
Other names: c.194C>T, p.Thr65Ile (NM_001005735.3, NM_001349956.3, NM_145862.3); c.-584C>T (NM_001257387.3); short protein forms T65I.
Identifiers: ClinVar variation 923828 (VCV000923828.4), dbSNP rs864622684, ClinGen allele CA411090819.

ClinVar aggregate classification (germline): Uncertain significance. Review status: criteria provided, multiple submitters, no conflicts (2 of 4 stars). 2 submissions from 2 submitters: Uncertain significance (2). Last evaluated 2025-11-18.

Conditions:
Hereditary cancer-predisposing syndrome. Also called: Neoplastic Syndromes, Hereditary; Tumor predisposition; Hereditary Cancer Syndrome; Hereditary neoplastic syndrome. Identifiers: Orphanet 140162, MedGen C0027672, MeSH D009386, MONDO:0015356.
Familial cancer of breast. Also called: BREAST CANCER, FAMILIAL; hereditary breast carcinoma; Hereditary breast cancer. Identifiers: Orphanet 227535, MedGen C0346153, MONDO:0016419, OMIM 114480. Disease mechanism: loss of function.

Submissions (2):

Labcorp Genetics (formerly Invitae), Labcorp
Classification: Uncertain significance for Familial cancer of breast. Last evaluated: 2025-11-18. Review status: criteria provided, single submitter. Criteria: Invitae Variant Classification Sherloc (09022015). Collection method: clinical testing. Allele origin: germline.
Comment: This sequence change replaces threonine, which is neutral and polar, with isoleucine, which is neutral and non-polar, at codon 65 of the CHEK2 protein (p.Thr65Ile). This variant is not present in population databases (gnomAD no frequency). This variant has not been reported in the literature in individuals affected with CHEK2-related conditions. ClinVar contains an entry for this variant (Variation ID: 923828). An algorithm developed to predict the effect of missense changes on protein structure and function (PolyPhen-2) suggests that this variant is likely to be disruptive. In summary, the available evidence is currently insufficient to determine the role of this variant in disease. Therefore, it has been classified as a Variant of Uncertain Significance.

Color Diagnostics, LLC DBA Color Health
Classification: Uncertain significance for Hereditary cancer-predisposing syndrome. Last evaluated: 2018-11-06. Review status: criteria provided, single submitter. Criteria: ACMG Guidelines, 2015. Collection method: clinical testing. Allele origin: germline.